The following is an entry in ClinVar:

ClinVar aggregate classification (germline): Conflicting classifications of pathogenicity. Review status: criteria provided, conflicting classifications (1 of 4 stars). 2 submissions from 2 submitters: Uncertain significance (1); Likely benign (1). Last evaluated 2025-08-15.

Conditions:
Emery-Dreifuss muscular dystrophy (EDMD). Also called: Scapuloperoneal syndrome, X-linked (formerly); Humeroperoneal neuromuscular disease, (formerly). Identifiers: Orphanet 261, MedGen C0410189, MONDO:0016830.

Allele frequency attached by ClinVar (database versions not stated): gnomAD exomes 0.00001; ExAC 0.00002; TOPMed 0.00002; gnomAD 0.00006; ESP Exome Variant Server 0.00010.
gnomAD v4.1: 105 of 1,613,438 alleles (0.0065%); highest among the groups gnomAD compares: Non-Finnish European, 0.0084%; no homozygotes.

Submissions (2):

Labcorp Genetics (formerly Invitae), Labcorp
Classification: Uncertain significance for Emery-Dreifuss muscular dystrophy. Last evaluated: 2025-08-15. Review status: criteria provided, single submitter. Criteria: Invitae Variant Classification Sherloc (09022015). Collection method: clinical testing. Allele origin: germline.
Comment: This sequence change replaces methionine, which is neutral and non-polar, with threonine, which is neutral and polar, at codon 8 of the SUN1 protein (p.Met8Thr). This variant is present in population databases (rs373925818, gnomAD 0.004%). This variant has not been reported in the literature in individuals affected with SUN1-related conditions. ClinVar contains an entry for this variant (Variation ID: 461657). An algorithm developed to predict the effect of missense changes on protein structure and function outputs the following: PolyPhen-2: "Benign". The threonine amino acid residue is found in multiple mammalian species, which suggests that this missense change does not adversely affect protein function. In summary, the available evidence is currently insufficient to determine the role of this variant in disease. Therefore, it has been classified as a Variant of Uncertain Significance.

Ambry Genetics
Classification: Likely benign. Last evaluated: 2022-12-20. Review status: criteria provided, single submitter. Criteria: Ambry Variant Classification Scheme 2023. Collection method: clinical testing. Allele origin: germline.

NM_001130965.3(SUN1):c.23T>C (p.Met8Thr)

Genes: SUN1 (Sad1 and UNC84 domain containing 1; plus strand), LOC126859921 (P300/CBP strongly-dependent group 1 enhancer GRCh37_chr7:871666-872865; plus strand). Cytogenetic location: 7p22.3.
Variant type: single nucleotide variant.
Coding change: c.23T>C on transcript NM_001130965.3 (MANE Select); coding-DNA position 23, T replaced by C.
Protein change: p.Met8Thr; replaces methionine 8 with threonine.
Molecular consequence: missense variant. On other transcripts: 5 prime UTR variant (1), non-coding transcript variant (3), intron variant (30).
Genome position (GRCh38, 1-based): chr7:832,547, T>C. VCF-style: chr7-832547-T-C. GRCh37 (hg19) VCF-style: chr7-872184-T-C.
Other names: c.23T>C, p.Met8Thr (NM_001171944.2, NM_001171946.2, NM_001367633.1 and 35 more transcripts); c.86T>C, p.Met29Thr (NM_001171945.2); c.-435T>C (NM_001367635.1); c.297-6251T>C (NM_001367651.1); c.-73-6251T>C (NM_001367666.1, NM_001367655.1, NM_001367691.1 and 24 more transcripts); c.-684-6251T>C (NM_001367658.1); c.-301-9399T>C (NM_001367639.1); short protein forms M8T, M29T.
Identifiers: ClinVar variation 461657 (VCV000461657.16), dbSNP rs373925818, ClinGen allele CA4111356.